The following is an entry in ClinVar:

ClinVar aggregate classification (germline): Uncertain significance. Review status: criteria provided, multiple submitters, no conflicts (2 of 4 stars). 4 submissions from 3 submitters: Uncertain significance (4). Last evaluated 2023-02-08.

Conditions:
Inborn genetic diseases. Identifiers: MedGen C0950123, MeSH D030342.
Spinocerebellar ataxia, autosomal recessive, with axonal neuropathy 2 (SCAN2). Also called: ATAXIA-OCULOMOTOR APRAXIA 2; Ataxia-ocular apraxia-2; Ataxia with Oculomotor Apraxia Type 2; Ataxia with Oculomotor Apraxia. Identifiers: Orphanet 64753, MedGen C1853761, MONDO:0018996, OMIM 606002.
Amyotrophic lateral sclerosis type 4 (ALS4). Also called: AMYOTROPHIC LATERAL SCLEROSIS 4, JUVENILE; NEURONOPATHY, DISTAL HEREDITARY MOTOR, WITH PYRAMIDAL FEATURES. Identifiers: Orphanet 357043, MedGen C1865409, MONDO:0011223, OMIM 602433.

Allele frequency attached by ClinVar (database versions not stated): TOPMed below 0.00001; ExAC 0.00001; gnomAD exomes 0.00001.
gnomAD v4.1: 18 of 1,614,204 alleles (0.0011%); highest among the groups gnomAD compares: Non-Finnish European, 0.0014%; no homozygotes.

Submissions (4):

Genome-Nilou Lab
Classification: Uncertain significance for Spinocerebellar ataxia, autosomal recessive, with axonal neuropathy 2. Last evaluated: 2023-02-08. Review status: criteria provided, single submitter. Criteria: ACMG Guidelines, 2015. Collection method: clinical testing. Allele origin: germline.

Genome-Nilou Lab
Classification: Uncertain significance for Amyotrophic lateral sclerosis type 4. Last evaluated: 2023-02-08. Review status: criteria provided, single submitter. Criteria: ACMG Guidelines, 2015. Collection method: clinical testing. Allele origin: germline.

Labcorp Genetics (formerly Invitae), Labcorp
Classification: Uncertain significance for Amyotrophic lateral sclerosis type 4; Spinocerebellar ataxia, autosomal recessive, with axonal neuropathy 2. Last evaluated: 2022-04-28. Review status: criteria provided, single submitter. Criteria: Invitae Variant Classification Sherloc (09022015). Collection method: clinical testing. Allele origin: germline.
Comment: In summary, the available evidence is currently insufficient to determine the role of this variant in disease. Therefore, it has been classified as a Variant of Uncertain Significance. Advanced modeling of protein sequence and biophysical properties (such as structural, functional, and spatial information, amino acid conservation, physicochemical variation, residue mobility, and thermodynamic stability) performed at Invitae indicates that this missense variant is not expected to disrupt SETX protein function. This variant has not been reported in the literature in individuals affected with SETX-related conditions. This variant is present in population databases (rs760039748, gnomAD 0.0009%). This sequence change replaces methionine, which is neutral and non-polar, with valine, which is neutral and non-polar, at codon 2245 of the SETX protein (p.Met2245Val).

Ambry Genetics
Classification: Uncertain significance for Inborn genetic diseases. Last evaluated: 2019-09-06. Review status: criteria provided, single submitter. Criteria: Ambry Variant Classification Scheme 2023. Collection method: clinical testing. Allele origin: germline.
Comment: The p.M2245V variant (also known as c.6733A>G), located in coding exon 19 of the SETX gene, results from an A to G substitution at nucleotide position 6733. The methionine at codon 2245 is replaced by valine, an amino acid with highly similar properties. This amino acid position is poorly conserved in available vertebrate species. In addition, this alteration is predicted to be tolerated by in silico analysis. Since supporting evidence is limited at this time, the clinical significance of this alteration remains unclear.

NM_015046.7(SETX):c.6733A>G (p.Met2245Val)

Gene: SETX (senataxin; minus strand). Cytogenetic location: 9q34.13.
Variant type: single nucleotide variant.
Coding change: c.6733A>G on transcript NM_015046.7 (MANE Select); coding-DNA position 6733, A replaced by G.
Protein change: p.Met2245Val; replaces methionine 2245 with valine.
Molecular consequence: missense variant.
Genome position (GRCh38, 1-based): chr9:132,278,179, T>C on the plus strand (A>G on the coding strand, the complement: SETX is on the minus strand). VCF-style: chr9-132278179-T-C. GRCh37 (hg19) VCF-style: chr9-135153566-T-C.
Other names: c.6733A>G, p.Met2245Val (NM_001351527.2, NM_001351528.2); short protein forms M2245V.
Identifiers: ClinVar variation 1755153 (VCV001755153.8), dbSNP rs760039748, ClinGen allele CA5296631.